The following is an entry in ClinVar:

ClinVar aggregate classification (germline): Benign. Review status: criteria provided, multiple submitters, no conflicts (2 of 4 stars). 3 submissions from 3 submitters: Benign (3). Last evaluated 2024-07-15.

Allele frequency attached by ClinVar (database versions not stated): ESP Exome Variant Server 0.10859; gnomAD 0.13943 and 0.15184; TOPMed 0.16113; gnomAD exomes 0.16587; 1000 Genomes Project 30x 0.24984; 1000 Genomes Project 0.26338.
gnomAD v4.1: 144,949 of 883,936 alleles (16%); highest among the groups gnomAD compares: East Asian, 63%; 17,686 homozygotes.

Submissions (3):

Unidad de Genómica Garrahan, Hospital de Pediatría Garrahan
Classification: Benign. Last evaluated: 2024-07-15. Review status: criteria provided, single submitter. Criteria: ACMG Guidelines, 2015. Collection method: clinical testing. Allele origin: germline. Affected: no. Observed: 48 variant alleles.
Comment: This variant is classified as Benign based on local population frequency. This variant was detected in 52% of patients studied in a panel designed for Epileptic and Developmental Encephalopathy and Progressive Myoclonus Epilepsy. Number of patients: 48. Only high quality variants are reported.

GeneDx
Classification: Benign. Last evaluated: 2018-06-18. Review status: criteria provided, single submitter. Criteria: GeneDx Variant Classification (06012015). Collection method: clinical testing. Allele origin: germline. Affected: yes.
Comment: This variant is considered likely benign or benign based on one or more of the following criteria: it is a conservative change, it occurs at a poorly conserved position in the protein, it is predicted to be benign by multiple in silico algorithms, and/or has population frequency not consistent with disease.

Breakthrough Genomics
Classification: Benign. Review status: criteria provided, single submitter. Criteria: ACMG Guidelines, 2015. Collection method: not provided. Allele origin: germline. Inheritance: Autosomal dominant inheritance. Affected: yes.

NM_001127222.2(CACNA1A):c.5941-52C>T

Gene: CACNA1A (calcium voltage-gated channel subunit alpha1 A; minus strand). Cytogenetic location: 19p13.13.
Variant type: single nucleotide variant.
Coding change: c.5941-52C>T on transcript NM_001127222.2 (MANE Select); 52 bases into the intron before coding-DNA position 5941, C replaced by T.
Molecular consequence: intron variant.
Genome position (GRCh38, 1-based): chr19:13,212,792, G>A on the plus strand (C>T on the coding strand, the complement: CACNA1A is on the minus strand). VCF-style: chr19-13212792-G-A. GRCh37 (hg19) VCF-style: chr19-13323606-G-A.
Other names: c.5944-52C>T (NM_001127221.2); c.5950-52C>T (NM_001174080.2); c.5959-52C>T (NM_000068.4, NM_023035.3).
Identifiers: ClinVar variation 680072 (VCV000680072.4), dbSNP rs72995963, ClinGen allele CA14711953.